The following is an entry in ClinVar:

NM_000037.4(ANK1):c.1475del (p.Asn492fs)

Gene: ANK1 (ankyrin 1; minus strand). Cytogenetic location: 8p11.21.
Variant type: Deletion.
Coding change: c.1475del on transcript NM_000037.4 (MANE Select); coding-DNA position 1475, one base deleted (A; older notation c.1475delA).
Protein change: p.Asn492fs; shifts the reading frame from asparagine 492.
Molecular consequence: frameshift variant.
Genome position (GRCh38, 1-based): chr8:41,715,779, T deleted on the plus strand (A on the coding strand, the reverse complement: ANK1 is on the minus strand); the first of 4 consecutive T bases (chr8:41,715,779-41,715,782); deleting any one gives the same sequence. VCF-style (leftmost placement, unchanged base first): chr8-41715778-AT-A. GRCh37 (hg19) VCF-style: chr8-41573296-AT-A.
Other names: c.1574del, p.Asn525fs (NM_001142446.2); c.1475del, p.Asn492fs (NM_020475.3, NM_020476.3, NM_020477.3); short protein forms N525fs, N492fs.
Identifiers: ClinVar variation 4715834 (VCV004715834.1).

ClinVar aggregate classification (germline): Pathogenic (1 of 4 stars; one submission).

Submission:

Labcorp Genetics (formerly Invitae), Labcorp
Classification: Pathogenic. Last evaluated: 2025-03-24. Review status: criteria provided, single submitter. Criteria: Invitae Variant Classification Sherloc (09022015). Collection method: clinical testing. Allele origin: germline.
Comment: This sequence change creates a premature translational stop signal (p.Asn492Ilefs*41) in the ANK1 gene. It is expected to result in an absent or disrupted protein product. Loss-of-function variants in ANK1 are known to be pathogenic (PMID: 8640229). This variant is not present in population databases (gnomAD no frequency). This variant has not been reported in the literature in individuals affected with ANK1-related conditions. For these reasons, this variant has been classified as Pathogenic.

Literature cited by the submitters: PubMed 8640229.